The following is an entry in ClinVar:

ClinVar aggregate classification (germline): Pathogenic. Review status: criteria provided, multiple submitters, no conflicts (2 of 4 stars). 3 submissions from 3 submitters: Pathogenic (3). Last evaluated 2024-05-06.

Conditions:
Deficiency of iodide peroxidase (TDH2A). Also called: THYROID HORMONOGENESIS, GENETIC DEFECT IN, 2A; THYROID PEROXIDASE DEFICIENCY; Thyroid dyshormonogenesis 2A; HYPOTHYROIDISM, CONGENITAL, DUE TO DYSHORMONOGENESIS, 2A; IODIDE PEROXIDASE DEFICIENCY. Identifiers: Orphanet 95716, MedGen C1291299, MONDO:0010133, OMIM 274500.

Allele frequency attached by ClinVar (database versions not stated): TOPMed below 0.00001; ExAC 0.00001; gnomAD exomes 0.00001.
gnomAD v4.1: 8 of 1,614,138 alleles (0.0005%); highest among the groups gnomAD compares: Admixed American, 0.0017%; no homozygotes.

Submissions (3):

Fulgent Genetics
Classification: Pathogenic for Deficiency of iodide peroxidase. Last evaluated: 2024-05-06. Review status: criteria provided, single submitter. Criteria: ACMG Guidelines, 2015. Collection method: clinical testing. Allele origin: germline.

Labcorp Genetics (formerly Invitae), Labcorp
Classification: Pathogenic. Last evaluated: 2023-04-20. Review status: criteria provided, single submitter. Criteria: Invitae Variant Classification Sherloc (09022015). Collection method: clinical testing. Allele origin: germline.
Comment: For these reasons, this variant has been classified as Pathogenic. ClinVar contains an entry for this variant (Variation ID: 1701830). This premature translational stop signal has been observed in individual(s) with clinical features of thryoid dyshormonogenesis (PMID: 30240412). This variant is present in population databases (rs759809305, gnomAD 0.002%). This sequence change creates a premature translational stop signal (p.Arg89*) in the TPO gene. It is expected to result in an absent or disrupted protein product. Loss-of-function variants in TPO are known to be pathogenic (PMID: 11061528, 23236987, 25564141).

Foundation for Research in Genetics and Endocrinology, FRIGE's Institute of Human Genetics
Classification: Pathogenic for Deficiency of iodide peroxidase. Last evaluated: 2022-05-11. Review status: criteria provided, single submitter. Criteria: ACMG Guidelines, 2015. Collection method: clinical testing. Allele origin: germline. Inheritance: Autosomal recessive inheritance. Affected: yes. Observed: 1 homozygote.
Comment: Homozygous nonsense variation in exon 4 of the TPO gene that result in a stop codon and premature truncation of the protein at codon 89 was detected. The in silico prediction of the variant is benign by PolyPhen-2 (HumDiv), SIFT, LRT and MutationTaster2. The reference codon is conserved across species. In summary, the variant meets our criteria to be classified as pathogenic.

Literature cited by the submitters: PubMed 30240412 (cited by Labcorp Genetics (formerly Invitae), Labcorp); PubMed 11061528 (cited by Labcorp Genetics (formerly Invitae), Labcorp); PubMed 23236987 (cited by Labcorp Genetics (formerly Invitae), Labcorp); PubMed 25564141 (cited by Labcorp Genetics (formerly Invitae), Labcorp).

NM_001206744.2(TPO):c.265C>T (p.Arg89Ter)

Gene: TPO (thyroid peroxidase; plus strand). Cytogenetic location: 2p25.3.
Variant type: single nucleotide variant.
Coding change: c.265C>T on transcript NM_001206744.2 (MANE Select); coding-DNA position 265, C replaced by T.
Protein change: p.Arg89Ter; replaces arginine 89 with a stop codon.
Molecular consequence: nonsense.
Genome position (GRCh38, 1-based): chr2:1,433,523, C>T. VCF-style: chr2-1433523-C-T. GRCh37 (hg19) VCF-style: chr2-1437295-C-T.
Other names: p.Arg89Ter; c.265C>T, p.Arg89Ter (NM_000547.6, NM_001206745.2, NM_175719.4 and 2 more transcripts); c.265C>T (NM_000547.5); short protein forms R89*.
Identifiers: ClinVar variation 1701830 (VCV001701830.7), dbSNP rs759809305, ClinGen allele CA1511371.